The following is an entry in ClinVar:

NM_133259.4(LRPPRC):c.2470A>G (p.Ile824Val)

Gene: LRPPRC (leucine rich pentatricopeptide repeat containing; minus strand). Cytogenetic location: 2p21.
Variant type: single nucleotide variant.
Coding change: c.2470A>G on transcript NM_133259.4 (MANE Select); coding-DNA position 2470, A replaced by G.
Protein change: p.Ile824Val; replaces isoleucine 824 with valine.
Molecular consequence: missense variant.
Genome position (GRCh38, 1-based): chr2:43,943,721, T>C on the plus strand (A>G on the coding strand, the complement: LRPPRC is on the minus strand). VCF-style: chr2-43943721-T-C. GRCh37 (hg19) VCF-style: chr2-44170860-T-C.
Other names: short protein forms I824V.
Identifiers: ClinVar variation 4072686 (VCV004072686.1).

ClinVar aggregate classification (germline): Uncertain significance (1 of 4 stars; one submission).

gnomAD v4.1: 10 of 1,613,336 alleles (0.00062%); highest among the groups gnomAD compares: Middle Eastern, 0.016%; no homozygotes.

Submission:

GeneDx
Classification: Uncertain significance. Last evaluated: 2025-01-29. Review status: criteria provided, single submitter. Criteria: GeneDx Variant Classification Process June 2021. Collection method: clinical testing. Allele origin: germline. Affected: yes.
Comment: Not observed at significant frequency in large population cohorts (gnomAD); In silico analysis supports a deleterious effect on splicing; In silico analysis indicates that this missense variant does not alter protein structure/function; Has not been previously published as pathogenic or benign to our knowledge